The following is an entry in ClinVar:

NM_001365999.1(SZT2):c.986C>A (p.Pro329His)

Gene: SZT2 (SZT2 subunit of KICSTOR complex; plus strand). Cytogenetic location: 1p34.2.
Variant type: single nucleotide variant.
Coding change: c.986C>A on transcript NM_001365999.1 (MANE Select); coding-DNA position 986, C replaced by A.
Protein change: p.Pro329His; replaces proline 329 with histidine.
Molecular consequence: missense variant.
Genome position (GRCh38, 1-based): chr1:43,419,840, C>A. VCF-style: chr1-43419840-C-A. GRCh37 (hg19) VCF-style: chr1-43885511-C-A.
Other names: c.986C>A, p.Pro329His (NM_015284.4); short protein forms P329H.
Identifiers: ClinVar variation 1021855 (VCV001021855.8), dbSNP rs769164770, ClinGen allele CA340006055.

ClinVar aggregate classification (germline): Uncertain significance (1 of 4 stars; one submission).

Submission:

Labcorp Genetics (formerly Invitae), Labcorp
Classification: Uncertain significance. Last evaluated: 2017-10-07. Review status: criteria provided, single submitter. Criteria: Invitae Variant Classification Sherloc (09022015). Collection method: clinical testing. Allele origin: germline.
Comment: In summary, the available evidence is currently insufficient to determine the role of this variant in disease. Therefore, it has been classified as a Variant of Uncertain Significance. Algorithms developed to predict the effect of missense changes on protein structure and function do not agree on the potential impact of this missense change (SIFT: "Tolerated"; PolyPhen-2: "Probably Damaging"; Align-GVGD: "Class C0"). This variant has not been reported in the literature in individuals with SZT2-related disease. This variant is not present in population databases (ExAC no frequency). This sequence change replaces proline with histidine at codon 329 of the SZT2 protein (p.Pro329His). The proline residue is weakly conserved and there is a moderate physicochemical difference between proline and histidine.